The following is an entry in ClinVar:

NM_013275.6(ANKRD11):c.5303_5313del (p.Ser1768fs)

Gene: ANKRD11 (ankyrin repeat domain containing 11; minus strand). Cytogenetic location: 16q24.3.
Variant type: Deletion.
Coding change: c.5303_5313del on transcript NM_013275.6 (MANE Select); coding-DNA positions 5303 to 5313, 11 bases deleted (CAAGTGGGCTT).
Protein change: p.Ser1768fs; shifts the reading frame from serine 1768.
Molecular consequence: frameshift variant.
Genome position (GRCh38, 1-based): chr16:89,281,229-89,281,239, AAGCCCACTTG deleted on the plus strand (CAAGTGGGCTT on the coding strand, the reverse complement: ANKRD11 is on the minus strand); deleting any 11 consecutive bases within chr16:89,281,229-89,281,244 gives the same sequence; the c. name uses the placement nearest the transcript's 3' end. VCF-style (leftmost placement, unchanged base first): chr16-89281228-AAAGCCCACTTG-A. GRCh37 (hg19) VCF-style: chr16-89347636-AAAGCCCACTTG-A.
Other names: c.5303_5313del, p.Ser1768fs (NM_001256182.2, NM_001256183.2); short protein forms S1768fs.
Identifiers: ClinVar variation 1690657 (VCV001690657.2), dbSNP rs2151745140, ClinGen allele CA2573152766.

ClinVar aggregate classification (germline): Likely pathogenic (1 of 4 stars; one submission).

Submission:

Laboratorio de Genetica e Diagnostico Molecular, Hospital Israelita Albert Einstein
Classification: Likely pathogenic. Last evaluated: 2019-07-04. Review status: criteria provided, single submitter. Criteria: ACMG Guidelines, 2015. Collection method: clinical testing. Allele origin: germline. Affected: yes.
Comment: ACMG classification criteria: PVS1, PM2